The following is an entry in ClinVar:

NM_004656.4(BAP1):c.1563C>T (p.Ser521=)

Gene: BAP1 (BRCA1 associated deubiquitinase 1; minus strand). Cytogenetic location: 3p21.1.
Variant type: single nucleotide variant.
Coding change: c.1563C>T on transcript NM_004656.4 (MANE Select); coding-DNA position 1563, C replaced by T.
Protein change: p.Ser521=; no amino-acid change (serine 521 retained).
Molecular consequence: synonymous variant.
Genome position (GRCh38, 1-based): chr3:52,403,582, G>A on the plus strand (C>T on the coding strand, the complement: BAP1 is on the minus strand). VCF-style: chr3-52403582-G-A. GRCh37 (hg19) VCF-style: chr3-52437598-G-A.
Other names: c.1563C>T (NM_004656.2).
Identifiers: ClinVar variation 756363 (VCV000756363.13), dbSNP rs1578220514, ClinGen allele CA433886180.

ClinVar aggregate classification (germline): Benign/Likely benign. Review status: criteria provided, multiple submitters, no conflicts (2 of 4 stars). 4 submissions from 4 submitters: Benign (1); Likely benign (3). Last evaluated 2026-01-09.

Conditions:
Hereditary cancer-predisposing syndrome. Also called: Hereditary neoplastic syndrome; Neoplastic Syndromes, Hereditary; Hereditary Cancer Syndrome; Tumor predisposition. Identifiers: Orphanet 140162, MedGen C0027672, MeSH D009386, MONDO:0015356.
BAP1-related tumor predisposition syndrome (TPDS1). Also called: BAP1 tumor predisposition syndrome; Tumor susceptibility linked to germline BAP1 mutations; COMMON Syndrome; TUMOR PREDISPOSITION SYNDROME 1. Identifiers: Orphanet 289539, MedGen C3280492, MONDO:0013692, OMIM 614327.
BAP1-related disorder. Also called: BAP1-related condition.

Allele frequency attached by ClinVar (database versions not stated): TOPMed below 0.00001; gnomAD 0.00001.

Submissions (4):

PreventionGenetics, part of Exact Sciences
Classification: Likely benign for BAP1-related condition. Last evaluated: 2026-01-09. Review status: criteria provided, single submitter. Criteria: ACMG Guidelines, 2015. Collection method: clinical testing. Allele origin: germline.
Comment: This variant is classified as likely benign based on ACMG/AMP sequence variant interpretation guidelines (Richards et al. 2015 PMID: 25741868, with internal and published modifications).

Labcorp Genetics (formerly Invitae), Labcorp
Classification: Likely benign for BAP1-related tumor predisposition syndrome. Last evaluated: 2024-10-12. Review status: criteria provided, single submitter. Criteria: Invitae Variant Classification Sherloc (09022015). Collection method: clinical testing. Allele origin: germline.

Myriad Genetics, Inc.
Classification: Benign for BAP1-related tumor predisposition syndrome. Last evaluated: 2024-07-16. Review status: criteria provided, single submitter. Criteria: Myriad Autosomal Dominant, Autosomal Recessive and X-Linked Classification Criteria (2023). Collection method: clinical testing. Allele origin: unknown.
Comment: This variant is considered benign. This variant is a silent/synonymous amino acid change and it is not expected to impact splicing.

Ambry Genetics
Classification: Likely benign for Hereditary cancer-predisposing syndrome. Last evaluated: 2023-12-17. Review status: criteria provided, single submitter. Criteria: Ambry Variant Classification Scheme 2023. Collection method: clinical testing. Allele origin: germline.